The following is an entry in ClinVar:

NM_004247.4(EFTUD2):c.579del (p.Gly195fs)

Gene: EFTUD2 (elongation factor Tu GTP binding domain containing 2; minus strand). Cytogenetic location: 17q21.31.
Variant type: Deletion.
Coding change: c.579del on transcript NM_004247.4 (MANE Select); coding-DNA position 579, one base deleted (C; older notation c.579delC).
Protein change: p.Gly195fs; shifts the reading frame from glycine 195.
Molecular consequence: frameshift variant.
Genome position (GRCh38, 1-based): chr17:44,880,594, G deleted on the plus strand (C on the coding strand, the reverse complement: EFTUD2 is on the minus strand); the first of 2 consecutive G bases (chr17:44,880,594-44,880,595); deleting either gives the same sequence. VCF-style (leftmost placement, unchanged base first): chr17-44880593-TG-T. GRCh37 (hg19) VCF-style: chr17-42957961-TG-T.
Other names: c.474del, p.Gly160fs (NM_001142605.2); c.579del, p.Gly195fs (NM_001258353.2); c.549del, p.Gly185fs (NM_001258354.2); short protein forms G160fs, G185fs, G195fs.
Identifiers: ClinVar variation 424610 (VCV000424610.2), dbSNP rs1064797069, ClinGen allele CA16620455.

ClinVar aggregate classification (germline): Pathogenic (1 of 4 stars; one submission).

Submission:

GeneDx
Classification: Pathogenic. Last evaluated: 2017-03-30. Review status: criteria provided, single submitter. Criteria: GeneDx Variant Classification (06012015). Collection method: clinical testing. Allele origin: germline. Affected: yes.
Comment: The c.579delC variant in the EFTUD2 gene has not been reported previously as a pathogenic variant nor as a benign variant, to our knowledge. The c.579delC variant causes a frameshift starting with codon Glycine 195, changes this amino acid to a Glutamic acid residue, and creates a premature Stop codon at position 15 of the new reading frame, denoted p.Gly195GlufsX15. This variant is predicted to cause loss of normal protein function either through protein truncation or nonsense-mediated mRNA decay. The c.579delC variant is not observed in large population cohorts (Lek et al., 2016; 1000 Genomes Consortium et al., 2015; Exome Variant Server). We interpret c.579delC as a pathogenic variant.